The following is an entry in ClinVar:

NM_015164.4(PLEKHM2):c.2320A>G (p.Lys774Glu)

Gene: PLEKHM2 (pleckstrin homology and RUN domain containing M2; plus strand). Cytogenetic location: 1p36.21.
Variant type: single nucleotide variant.
Coding change: c.2320A>G on transcript NM_015164.4 (MANE Select); coding-DNA position 2320, A replaced by G.
Protein change: p.Lys774Glu; replaces lysine 774 with glutamic acid.
Molecular consequence: missense variant.
Genome position (GRCh38, 1-based): chr1:15,730,643, A>G. VCF-style: chr1-15730643-A-G. GRCh37 (hg19) VCF-style: chr1-16057138-A-G.
Other names: short protein forms K774E.
Identifiers: ClinVar variation 544343 (VCV000544343.8), dbSNP rs1553161495, ClinGen allele CA338571028.
Genomic context (GRCh38, chr1:15,730,643, plus strand): 5'-ACAGACGAGTCCCTGGGCCCCACGCCCTGCCACTGCTCACCCCCCGAGGGCACCATCACC[A>G]AAGAAGGCATGCTGCACTACAAGGCGGGCACCTCCTACCTGGGCAAGGAACACTGGAAGA-3'
Protein context (NP_055979.2, residues 764-784): HCSPPEGTIT[Lys774Glu]EGMLHYKAGT

ClinVar aggregate classification (germline): Uncertain significance (1 of 4 stars; one submission).

Submission:

Labcorp Genetics (formerly Invitae), Labcorp
Classification: Uncertain significance. Last evaluated: 2021-01-26. Review status: criteria provided, single submitter. Criteria: Invitae Variant Classification Sherloc (09022015). Collection method: clinical testing. Allele origin: germline.
Comment: In summary, the available evidence is currently insufficient to determine the role of this variant in disease. Therefore, it has been classified as a Variant of Uncertain Significance. Algorithms developed to predict the effect of missense changes on protein structure and function (SIFT, PolyPhen-2, Align-GVGD) all suggest that this variant is likely to be disruptive, but these predictions have not been confirmed by published functional studies and their clinical significance is uncertain. This variant has not been reported in the literature in individuals with PLEKHM2-related disease. This variant is not present in population databases (ExAC no frequency). This sequence change replaces lysine with glutamic acid at codon 774 of the PLEKHM2 protein (p.Lys774Glu). The lysine residue is highly conserved and there is a small physicochemical difference between lysine and glutamic acid.